The following is an entry in ClinVar:

NM_022340.4(RBSN):c.1663G>A (p.Gly555Ser)

Gene: RBSN (rabenosyn, RAB effector; minus strand). Cytogenetic location: 3p25.1.
Variant type: single nucleotide variant.
Coding change: c.1663G>A on transcript NM_022340.4 (MANE Select); coding-DNA position 1663, G replaced by A.
Protein change: p.Gly555Ser; replaces glycine 555 with serine.
Molecular consequence: missense variant.
Genome position (GRCh38, 1-based): chr3:15,074,474, C>T on the plus strand (G>A on the coding strand, the complement: RBSN is on the minus strand). VCF-style: chr3-15074474-C-T. GRCh37 (hg19) VCF-style: chr3-15115981-C-T.
Other names: c.1663G>A, p.Gly555Ser (NM_001302378.2); short protein forms G555S.
Identifiers: ClinVar variation 5003087 (VCV005003087.1).
Genomic context (GRCh38, chr3:15,074,474, plus strand): 5'-GATCCAAAGCATAAGCAAGGTGGGTGCGAGGCTCTCTGCTGGGCTCCAGCTGAAAAGGGC[C>T]GATTTCTCTGAAGTCCAGGGACCGAGTCCGTGTGTGCAGGGATGCCACCCGAAACTGCTC-3'
Protein context (NP_071735.2, residues 545-565): RTRSLDFREI[Gly555Ser]PFQLEPSREP

ClinVar aggregate classification (germline): Uncertain significance (1 of 4 stars; one submission).

Conditions:
Myelofibrosis, congenital, with anemia, neutropenia, developmental delay, and ocular abnormalities. Identifiers: MedGen C5975380, MONDO:0975797, OMIM 620939.

gnomAD v4.1: 8 of 1,614,064 alleles (0.0005%); highest among the groups gnomAD compares: East Asian, 0.0045%; no homozygotes.

Submission:

OLLIN Analises Genomicas, OLLIN
Classification: Uncertain significance for Myelofibrosis, congenital, with anemia, neutropenia, developmental delay, and ocular abnormalities. Last evaluated: 2026-08-06. Review status: criteria provided, single submitter. Criteria: ACMG Guidelines 2015 PMID 25741868. Collection method: clinical testing. Allele origin: germline.
Comment: This missense variant, located in exon 14 (of 14), has been observed in gnomAD with an allele frequency of 0.0005%, but has not been reported in ClinVar or identified in the literature. In silico analysis predicts that this variant has a tolerated effect. According to the currently available evidence, this variant has been classified as uncertain significance (PM2_P, BP4_M).